The following is an entry in ClinVar:

NM_007327.4(GRIN1):c.794-9C>T

Gene: GRIN1 (glutamate ionotropic receptor NMDA type subunit 1; plus strand). Cytogenetic location: 9q34.3.
Variant type: single nucleotide variant.
Coding change: c.794-9C>T on transcript NM_007327.4 (MANE Select); 9 bases into the intron before coding-DNA position 794, C replaced by T.
Molecular consequence: intron variant.
Genome position (GRCh38, 1-based): chr9:137,156,854, C>T. VCF-style: chr9-137156854-C-T. GRCh37 (hg19) VCF-style: chr9-140051306-C-T.
Other names: c.857-9C>T (NM_001185090.2, NM_001185091.2); c.794-9C>T (NM_021569.4, NM_000832.7).
Identifiers: ClinVar variation 1315462 (VCV001315462.9), dbSNP rs2131272367, ClinGen allele CA2573053147.

ClinVar aggregate classification (germline): Conflicting classifications of pathogenicity. Review status: criteria provided, conflicting classifications (1 of 4 stars). 2 submissions from 2 submitters: Uncertain significance (1); Likely benign (1). Last evaluated 2022-01-13.

Conditions:
Neurodevelopmental disorder with or without hyperkinetic movements and seizures, autosomal dominant. Also called: Intellectual disability, autosomal dominant 8. Identifiers: MedGen C3280282, MONDO:0013655, OMIM 614254.

Allele frequency attached by ClinVar (database versions not stated): gnomAD exomes below 0.00001.
gnomAD v4.1: 1 of 1,610,226 alleles (0.000062%); highest among the groups gnomAD compares: Non-Finnish European, 0.000085%; no homozygotes.

Submissions (2):

Labcorp Genetics (formerly Invitae), Labcorp
Classification: Likely benign for Neurodevelopmental disorder with or without hyperkinetic movements and seizures, autosomal dominant. Last evaluated: 2022-01-13. Review status: criteria provided, single submitter. Criteria: Invitae Variant Classification Sherloc (09022015). Collection method: clinical testing. Allele origin: germline.

GeneDx
Classification: Uncertain significance. Last evaluated: 2020-02-21. Review status: criteria provided, single submitter. Criteria: GeneDx Variant Classification Process June 2021. Collection method: clinical testing. Allele origin: germline. Affected: yes.
Comment: Not observed in large population cohorts (Lek et al., 2016); Located in a region that tolerates variation and lacks pathogenic variants; Has not been previously published as pathogenic or benign to our knowledge; In-silico analysis is inconclusive as to whether the variant alters gene splicing. In the absence of RNA/functional studies, the actual effect of this sequence change is unknown.